The following is an entry in ClinVar:

NM_183050.4(BCKDHB):c.1022T>A (p.Ile341Asn)

Gene: BCKDHB (branched chain keto acid dehydrogenase E1 subunit beta; plus strand). Cytogenetic location: 6q14.1.
Variant type: single nucleotide variant.
Coding change: c.1022T>A on transcript NM_183050.4 (MANE Select); coding-DNA position 1022, T replaced by A.
Protein change: p.Ile341Asn; replaces isoleucine 341 with asparagine.
Molecular consequence: missense variant. On other transcripts: non-coding transcript variant (1).
Genome position (GRCh38, 1-based): chr6:80,273,205, T>A. VCF-style: chr6-80273205-T-A. GRCh37 (hg19) VCF-style: chr6-80982922-T-A.
Other names: p.I341N:ATC>AAC; c.1022T>A, p.Ile341Asn (NM_000056.5); c.812T>A, p.Ile271Asn (NM_001318975.1); short protein forms I341N, I271N.
Identifiers: ClinVar variation 203639 (VCV000203639.10), dbSNP rs796051939, ClinGen allele CA312365.

ClinVar aggregate classification (germline): Conflicting classifications of pathogenicity. Review status: criteria provided, conflicting classifications (1 of 4 stars). 6 submissions from 6 submitters: Pathogenic (1); Likely pathogenic (3); Uncertain significance (2). Last evaluated 2026-03-16.

Conditions:
Maple syrup urine disease type 1B (MSUD1B). Also called: MSUD type IB; MSUD type 3 (formerly); MSUD due to deficiency of e1-beta subunit of branched-chain alpha-keto acid dehydrogenase complex. Identifiers: MedGen C2930990, MONDO:0023692, OMIM 620698.
Maple syrup urine disease (MSUD). Identifiers: Orphanet 511, MedGen C0024776, MeSH D008375, MONDO:0009563. Disease mechanism: loss of function.

Submissions (6):

Myriad Genetics, Inc.
Classification: Uncertain significance for Maple syrup urine disease type 1B. Last evaluated: 2026-03-16. Review status: criteria provided, single submitter. Criteria: Myriad Autosomal Dominant, Autosomal Recessive and X-Linked Classification Criteria (2023). Collection method: clinical testing. Allele origin: unknown.
Comment: NM_183050.2(BCKDHB):c.1022T>A(I341N) is a missense variant classified as a variant of uncertain significance in the context of maple syrup urine disease type Ib. I341N has been observed in a case with relevant disease (PMID: 26257134). Relevant functional assessments of this variant are not available in the literature. I341N has not been observed in referenced population frequency databases. In summary, there is insufficient evidence to classify NM_183050.2(BCKDHB):c.1022T>A(I341N) as pathogenic or benign. Please note: this variant was assessed in the context of healthy population screening.

Women's Health and Genetics/Laboratory Corporation of America, LabCorp
Classification: Uncertain significance. Last evaluated: 2025-06-25. Review status: criteria provided, single submitter. Criteria: LabCorp Variant Classification Summary - May 2015. Collection method: clinical testing. Allele origin: germline.
Comment: Variant summary: BCKDHB c.1022T>A (p.Ile341Asn) results in a non-conservative amino acid change in the encoded protein sequence. Algorithms developed to predict the effect of missense changes on protein structure and function all suggest that this variant is likely to be disruptive. The variant was absent in 250864 control chromosomes (gnomAD). c.1022T>A has been observed in an individual affected with Maple Syrup Urine Disease (Gupta_2015). These data indicate that the variant may be associated with disease. To our knowledge, no experimental evidence demonstrating an impact on protein function has been reported. The following publication has been ascertained in the context of this evaluation (PMID: 26257134). ClinVar contains an entry for this variant (Variation ID: 203639). Based on the evidence outlined above, the variant was classified as VUS-possibly pathogenic.

Labcorp Genetics (formerly Invitae), Labcorp
Classification: Likely pathogenic for Maple syrup urine disease. Last evaluated: 2023-09-08. Review status: criteria provided, single submitter. Criteria: Invitae Variant Classification Sherloc (09022015). Collection method: clinical testing. Allele origin: germline.
Comment: This sequence change replaces isoleucine, which is neutral and non-polar, with asparagine, which is neutral and polar, at codon 341 of the BCKDHB protein (p.Ile341Asn). This variant is not present in population databases (gnomAD no frequency). This missense change has been observed in individual(s) with maple syrup urine disease (PMID: 26257134). ClinVar contains an entry for this variant (Variation ID: 203639). Advanced modeling of protein sequence and biophysical properties (such as structural, functional, and spatial information, amino acid conservation, physicochemical variation, residue mobility, and thermodynamic stability) performed at Invitae indicates that this missense variant is expected to disrupt BCKDHB protein function. In summary, the currently available evidence indicates that the variant is pathogenic, but additional data are needed to prove that conclusively. Therefore, this variant has been classified as Likely Pathogenic.

Genome-Nilou Lab
Classification: Likely pathogenic for Maple syrup urine disease type 1A. Last evaluated: 2021-11-07. Review status: criteria provided, single submitter. Criteria: ACMG Guidelines, 2015. Collection method: clinical testing. Allele origin: germline. Affected: no.

GeneDx
Classification: Likely pathogenic. Last evaluated: 2018-03-20. Review status: criteria provided, single submitter. Criteria: GeneDx Variant Classification (06012015). Collection method: clinical testing. Allele origin: germline. Affected: yes.
Comment: The I341N missense change has not been published as a mutation, nor has it been reported as a benign polymorphism to our knowledge. The amino acid change is non-conservative in that a non-polar Isoleucine residue is replaced by a polar Asparagine residue. This change occurs at a highly conserved position in the BCKDHB protein. Furthermore, multiple in-silico analysis programs predict that I341N is damaging to the BCKDHB protein. Therefore, I341N was interpreted to be a strong candidate for a disease-causing mutation. The variant is found in BCKDHB panel(s).

Institute of Medical Genetics and Genomics, Sir Ganga Ram Hospital
Classification: Pathogenic for Maple syrup urine disease type 1A. Last evaluated: 2012-01-01. Review status: criteria provided, single submitter. Criteria: Submitter's publication. Collection method: research. Allele origin: germline. Affected: yes. Observed: 1 variant allele.

Literature cited by the submitters: PubMed 26257134 (cited by 3 submitters).